The following is an entry in ClinVar:

ClinVar aggregate classification (germline): Uncertain significance. Review status: criteria provided, multiple submitters, no conflicts (2 of 4 stars). 5 submissions from 5 submitters: Uncertain significance (4). 1 of the submissions does not count toward it. Last evaluated 2026-08-06.

Conditions:
Pyruvate dehydrogenase E3 deficiency (DLDD). Also called: Lipoamide dehydrogenase deficiency; MAPLE SYRUP URINE DISEASE, TYPE III; Dihydrolipoamide Dehydrogenase (E3) Deficiency; Dihydrolipoamide Dehydrogenase Deficiency; Lipoamide dehydrogenase deficiency, lactic acidosis due to; DLD DEFICIENCY. Identifiers: Orphanet 2394, Orphanet 765, MedGen C5574660, MONDO:0009529, OMIM 246900.

Allele frequency attached by ClinVar (database versions not stated): gnomAD exomes 0.00001 and 0.00002; gnomAD 0.00003 and 0.00004; TOPMed 0.00005.
gnomAD v4.1: 14 of 1,613,682 alleles (0.00087%); highest among the groups gnomAD compares: Admixed American, 0.0083%; no homozygotes.

Submissions (5):

OLLIN Analises Genomicas, OLLIN
Classification: Uncertain significance for Pyruvate dehydrogenase E3 deficiency. Last evaluated: 2026-08-06. Review status: criteria provided, single submitter. Criteria: ACMG Guidelines 2015 PMID 25741868. Collection method: clinical testing. Allele origin: germline.
Comment: This missense variant, located in exon 9 (of 14), has been reported in ClinVar (accession VCV000650628.5) and in gnomAD with an allele frequency of 0.00087%. However, to our knowledge, it has not been reported in the scientific literature. In silico analysis is inconclusive regarding the impact of this variant. According to the currently available evidence, this variant has been classified as uncertain significance (PM2_P).

Dasa
Classification: Uncertain significance. Last evaluated: 2025-08-01. Review status: criteria provided, single submitter. Criteria: DASA Assertion Criteria. Collection method: clinical testing. Allele origin: germline.
Comment: NM_000108.5(DLD):c.814T>C (p.Phe272Leu) is a missense variant that results in the substitution of phenylalanine with leucine. This variant is rare in population databases. The currently available literature and clinical evidence are not sufficient to establish a definitive association between this variant and the reported condition. Therefore, this variant is classified as a variant of uncertain significance.

GeneDx
Classification: Uncertain significance. Last evaluated: 2025-05-27. Review status: criteria provided, single submitter. Criteria: GeneDx Variant Classification Process June 2021. Collection method: clinical testing. Allele origin: germline. Affected: yes.
Comment: Not observed at significant frequency in large population cohorts (gnomAD); In silico analysis supports that this missense variant has a deleterious effect on protein structure/function; Has not been previously published as pathogenic or benign to our knowledge

Labcorp Genetics (formerly Invitae), Labcorp
Classification: Uncertain significance for Pyruvate dehydrogenase E3 deficiency. Last evaluated: 2022-11-01. Review status: criteria provided, single submitter. Criteria: Invitae Variant Classification Sherloc (09022015). Collection method: clinical testing. Allele origin: germline.
Comment: This sequence change replaces phenylalanine, which is neutral and non-polar, with leucine, which is neutral and non-polar, at codon 272 of the DLD protein (p.Phe272Leu). This variant is present in population databases (no rsID available, gnomAD 0.006%). This variant has not been reported in the literature in individuals affected with DLD-related conditions. ClinVar contains an entry for this variant (Variation ID: 650628). Advanced modeling of protein sequence and biophysical properties (such as structural, functional, and spatial information, amino acid conservation, physicochemical variation, residue mobility, and thermodynamic stability) performed at Invitae indicates that this missense variant is not expected to disrupt DLD protein function. In summary, the available evidence is currently insufficient to determine the role of this variant in disease. Therefore, it has been classified as a Variant of Uncertain Significance.

Natera, Inc.
Classification: Uncertain significance for Maple syrup urine disease type 3. Last evaluated: 2020-09-16. Review status: no assertion criteria provided. Collection method: clinical testing. Allele origin: germline. Not counted in ClinVar's aggregate classification.

NM_000108.5(DLD):c.814T>C (p.Phe272Leu)

Gene: DLD (dihydrolipoamide dehydrogenase; plus strand). Cytogenetic location: 7q31.1.
Variant type: single nucleotide variant.
Coding change: c.814T>C on transcript NM_000108.5 (MANE Select); coding-DNA position 814, T replaced by C.
Protein change: p.Phe272Leu; replaces phenylalanine 272 with leucine.
Molecular consequence: missense variant.
Genome position (GRCh38, 1-based): chr7:107,915,635, T>C. VCF-style: chr7-107915635-T-C. GRCh37 (hg19) VCF-style: chr7-107556080-T-C.
Other names: c.517T>C, p.Phe173Leu (NM_001289750.1); c.745T>C, p.Phe249Leu (NM_001289751.1); c.670T>C, p.Phe224Leu (NM_001289752.1); c.814T>C (NM_000108.3); short protein forms F173L, F249L, F224L, F272L.
Identifiers: ClinVar variation 650628 (VCV000650628.8), dbSNP rs942843326, ClinGen allele CA164257734.